The following is an entry in ClinVar:

ClinVar aggregate classification (germline): Uncertain significance. Review status: criteria provided, multiple submitters, no conflicts (2 of 4 stars). 2 submissions from 2 submitters: Uncertain significance (2). Last evaluated 2025-06-02.

Conditions:
PCDH19-related disorder. Also called: PCDH19-related condition.
Inborn genetic diseases. Identifiers: MedGen C0950123, MeSH D030342.

gnomAD v4.1: 1 of 1,207,724 alleles (0.000083%); highest among the groups gnomAD compares: Admixed American, 0.0022%; no homozygotes.

Submissions (2):

PreventionGenetics, part of Exact Sciences
Classification: Uncertain significance for PCDH19-related condition. Last evaluated: 2025-06-02. Review status: criteria provided, single submitter. Criteria: ACMG Guidelines, 2015. Collection method: clinical testing. Allele origin: germline.
Comment: The PCDH19 c.2051C>T variant is predicted to result in the amino acid substitution p.Ala684Val. To our knowledge, this variant has not been reported in the literature or in a large population database (gnomAD), indicating this variant is rare. At this time, the clinical significance of this variant is uncertain due to the absence of conclusive functional and genetic evidence.

Ambry Genetics
Classification: Uncertain significance for Inborn genetic diseases. Last evaluated: 2024-12-07. Review status: criteria provided, single submitter. Criteria: Ambry Variant Classification Scheme 2023. Collection method: clinical testing. Allele origin: germline.

NM_001184880.2(PCDH19):c.2051C>T (p.Ala684Val)

Gene: PCDH19 (protocadherin 19; minus strand). Cytogenetic location: Xq22.1.
Variant type: single nucleotide variant.
Coding change: c.2051C>T on transcript NM_001184880.2 (MANE Select); coding-DNA position 2051, C replaced by T.
Protein change: p.Ala684Val; replaces alanine 684 with valine.
Molecular consequence: missense variant.
Genome position (GRCh38, 1-based): chrX:100,406,547, G>A on the plus strand (C>T on the coding strand, the complement: PCDH19 is on the minus strand). VCF-style: chrX-100406547-G-A. GRCh37 (hg19) VCF-style: chrX-99661545-G-A.
Other names: c.2051C>T, p.Ala684Val (NM_020766.3, NM_001105243.2); short protein forms A684V.
Identifiers: ClinVar variation 3414782 (VCV003414782.2).